The following is an entry in ClinVar:

ClinVar aggregate classification (germline): Uncertain significance (1 of 4 stars; one submission).

Submission:

GeneDx
Classification: Uncertain significance. Last evaluated: 2017-03-03. Review status: criteria provided, single submitter. Criteria: GeneDx Variant Classification (06012015). Collection method: clinical testing. Allele origin: germline. Affected: yes.
Comment: The c.310 T>G variant in the HEXA gene has not been reported previously as a pathogenic variant, nor as a benignvariant, to our knowledge. This variant is not observed in large population cohorts (Lek et al., 2016; 1000 GenomesConsortium et al., 2015; Exome Variant Server). In-silico splice prediction models predict that c.310 T>G may createa cryptic splice donor site upstream to the natural splice donor site of intron 2. However, in the absence ofRNA/functional studies, the actual effect of the c.310 T>G change in this individual is unknown. If c.310 T>G doesnot alter splicing, it will result in the C104G missense change. The C104G variant is a non-conservative amino acidsubstitution, which occurs at a position that is conserved across species. In silico analysis predicts this variant isprobably damaging to the protein structure/function. We interpret c.310 T>G as a variant of uncertain significance.

NM_000520.6(HEXA):c.310T>G (p.Cys104Gly)

Gene: HEXA (hexosaminidase subunit alpha; minus strand). Cytogenetic location: 15q23.
Variant type: single nucleotide variant.
Coding change: c.310T>G on transcript NM_000520.6 (MANE Select); coding-DNA position 310, T replaced by G.
Protein change: p.Cys104Gly; replaces cysteine 104 with glycine.
Molecular consequence: missense variant. On other transcripts: non-coding transcript variant (1).
Genome position (GRCh38, 1-based): chr15:72,356,561, A>C on the plus strand (T>G on the coding strand, the complement: HEXA is on the minus strand). VCF-style: chr15-72356561-A-C. GRCh37 (hg19) VCF-style: chr15-72648902-A-C.
Other names: c.343T>G, p.Cys115Gly (NM_001318825.2); short protein forms C104G, C115G.
Identifiers: ClinVar variation 423884 (VCV000423884.2), dbSNP rs1064796678, ClinGen allele CA16620004.
Genomic context (GRCh38, chr15:72,356,561, plus strand): 5'-GACAGGGAACAGGATGGTACTTACAATTCTCCACTGACTCCAAAGTAGGAAGCTGGTTAC[A>C]TCCAGGTGTGACTACAGAGACAACCAACACATTCTTCTCCAGTGTATGCCGTTTCCCTAG-3'
Protein context (NP_000511.2, residues 94-114): VLVVSVVTPG[Cys104Gly]NQLPTLESVE